The following is an entry in ClinVar:

NM_001267550.2(TTN):c.87040C>T (p.Arg29014Ter)

Genes: TTN (titin; minus strand), TTN-AS1 (TTN antisense RNA 1; plus strand). Cytogenetic location: 2q31.2.
Variant type: single nucleotide variant.
Coding change: c.87040C>T on transcript NM_001267550.2 (MANE Select); coding-DNA position 87040, C replaced by T.
Protein change: p.Arg29014Ter; replaces arginine 29014 with a stop codon.
Molecular consequence: nonsense.
Genome position (GRCh38, 1-based): chr2:178,558,419, G>A on the plus strand (C>T on the coding strand, the complement: TTN is on the minus strand). VCF-style: chr2-178558419-G-A. GRCh37 (hg19) VCF-style: chr2-179423146-G-A.
Other names: c.82117C>T, p.Arg27373Ter (NM_001256850.1); c.59845C>T, p.Arg19949Ter (NM_003319.4); c.79336C>T, p.Arg26446Ter (NM_133378.4); c.60220C>T, p.Arg20074Ter (NM_133432.3); c.60421C>T, p.Arg20141Ter (NM_133437.4); c.87040C>T (NM_001267550.1); short protein forms R27373*, R29014*, R19949*, R20074*, R20141*, R26446*.
Identifiers: ClinVar variation 420065 (VCV000420065.24), dbSNP rs776065839, ClinGen allele CA1988388.

ClinVar aggregate classification (germline): Pathogenic. Review status: criteria provided, multiple submitters, no conflicts (2 of 4 stars). 9 submissions from 9 submitters: Pathogenic (4). 5 of the submissions do not count toward it. Last evaluated 2025-12-15.

Conditions:
Autosomal recessive limb-girdle muscular dystrophy type 2J (LGMDR10). Also called: Limb-girdle muscular dystrophy, type 2J; MUSCULAR DYSTROPHY, LIMB-GIRDLE, AUTOSOMAL RECESSIVE 10. Identifiers: Orphanet 140922, MedGen C1837342, MONDO:0012127, OMIM 608807.
Dilated cardiomyopathy 1G (CMD1G). Identifiers: Orphanet 154, MedGen C1858763, MONDO:0011400, OMIM 604145.
Cardiovascular phenotype. Identifiers: MedGen CN230736.

Allele frequency attached by ClinVar (database versions not stated): gnomAD exomes 0.00001 and below 0.00001; TOPMed below 0.00001; ExAC 0.00001.
gnomAD v4.1: 5 of 1,613,666 alleles (0.00031%); highest among the groups gnomAD compares: Non-Finnish European, 0.00034%; no homozygotes.

Submissions (9):

Ambry Genetics
Classification: Pathogenic for Cardiovascular phenotype. Last evaluated: 2025-12-15. Review status: criteria provided, single submitter. Criteria: Ambry Variant Classification Scheme 2023. Collection method: clinical testing. Allele origin: germline.
Comment: The p.R19949* pathogenic mutation (also known as c.59845C>T), located in coding exon 154 of the TTN gene, results from a C to T substitution at nucleotide position 59845. This changes the amino acid from an arginine to a stop codon within coding exon 154. This exon is located in the A-band region of the N2-B isoform of the titin protein and is constitutively expressed in TTN transcripts (percent spliced in or PSI 100%). This variant was identified in one or more individuals with features consistent with dilated cardiomyopathy and segregated with disease in at least one family (van Spaendonck-Zwarts KY et al. Eur Heart J, 2014 Aug;35:2165-73; Akinrinade O et al. Eur Heart J, 2015 Sep;36:2327-37). This variant is expected to result in loss of function by premature protein truncation or nonsense-mediated mRNA decay. While truncating variants in TTN are present in 1-3% of the general population, truncating variants in the A-band are the most common cause of dilated cardiomyopathy (Herman DS et al. N. Engl. J. Med., 2012 Feb;366:619-28; Roberts AM et al. Sci Transl Med, 2015 Jan;7:270ra6). TTN truncating variants encoded in constitutive exons (PSI >90%) have been found to be significantly associated with DCM regardless of their position in titin (Schafer S et al. Nat. Genet., 2017 01;49:46-53; Akhtar MM et al. Circ Heart Fail, 2020 Oct;13:e006832; Massier M et al. Clin Genet, 2025 Jan). Based on the supporting evidence, this variant is interpreted as a disease-causing mutation.

Labcorp Genetics (formerly Invitae), Labcorp
Classification: Pathogenic for Dilated cardiomyopathy 1G; Autosomal recessive limb-girdle muscular dystrophy type 2J. Last evaluated: 2025-11-01. Review status: criteria provided, single submitter. Criteria: Invitae Variant Classification Sherloc (09022015). Collection method: clinical testing. Allele origin: germline.
Comment: This sequence change creates a premature translational stop signal (p.Arg29014*) in the TTN gene. While this is not anticipated to result in nonsense mediated decay, it is expected to create a truncated TTN protein. The frequency data for this variant in the population databases is considered unreliable, as metrics indicate poor data quality at this position in the gnomAD database. This premature translational stop signal has been observed in individual(s) with dilated cardiomyopathy (PMID: 24558114, 26084686). It has also been observed to segregate with disease in related individuals. This variant is also known as c.82117C>T (p.Arg27373*). ClinVar contains an entry for this variant (Variation ID: 420065). This variant is located in the A band of TTN (PMID: 25589632). Truncating variants in this region are significantly overrepresented in patients affected with dilated cardiomyopathy (PMID: 25589632). Truncating variants in this region have also been reported in individuals affected with autosomal recessive centronuclear myopathy (PMID: 23975875). For these reasons, this variant has been classified as Pathogenic.

GeneDx
Classification: Pathogenic. Last evaluated: 2024-03-26. Review status: criteria provided, single submitter. Criteria: GeneDx Variant Classification Process June 2021. Collection method: clinical testing. Allele origin: germline. Affected: yes.
Comment: Nonsense variant predicted to result in protein truncation or nonsense mediated decay in a gene for which loss of function is a known mechanism of disease; Located in the A-band region of TTN in which the majority of loss of function variants have been associated with autosomal dominant titinopathies (PMID: 22335739); Not observed at significant frequency in large population cohorts (gnomAD); This variant is associated with the following publications: (PMID: 22335739, 32880476, 26084686, 31112426, 37461109, 24558114)

Clinical Genetics Laboratory, Region Ostergotland
Classification: Pathogenic for Dilated cardiomyopathy 1G. Last evaluated: 2020-12-09. Review status: criteria provided, single submitter. Criteria: ACMG Guidelines, 2015. Collection method: clinical testing. Allele origin: germline. Affected: yes.
Comment: PS4, PP1, PP3, PVS1

Cardiogenetics and Myogenetics Molecular and Cellular Functional Unit, Aphp Sorbonne University-Hopital Pitie Salpetriere
Classification: Likely pathogenic for Dilated cardiomyopathy 1G. Last evaluated: 2024-01-06. Review status: no assertion criteria provided. Collection method: clinical testing. Allele origin: germline. Affected: yes. Not counted in ClinVar's aggregate classification.

Clinical Genetics DNA and cytogenetics Diagnostics Lab, Erasmus MC, Erasmus Medical Center
Classification: Pathogenic. Review status: no assertion criteria provided. Collection method: clinical testing. Allele origin: germline. Affected: yes. Study: VKGL Data-share Consensus. Not counted in ClinVar's aggregate classification.

Diagnostic Laboratory, Department of Genetics, University Medical Center Groningen
Classification: Pathogenic. Review status: no assertion criteria provided. Collection method: clinical testing. Allele origin: germline. Affected: yes. Study: VKGL Data-share Consensus. Not counted in ClinVar's aggregate classification.

Genome Diagnostics Laboratory, University Medical Center Utrecht
Classification: Pathogenic. Review status: no assertion criteria provided. Collection method: clinical testing. Allele origin: germline. Affected: yes. Study: VKGL Data-share Consensus. Not counted in ClinVar's aggregate classification.

Joint Genome Diagnostic Labs from Nijmegen and Maastricht, Radboudumc and MUMC+
Classification: Pathogenic. Review status: no assertion criteria provided. Collection method: clinical testing. Allele origin: germline. Affected: yes. Study: VKGL Data-share Consensus. Not counted in ClinVar's aggregate classification.

Literature cited by the submitters: PubMed 24558114 (cited by Ambry Genetics and Labcorp Genetics (formerly Invitae), Labcorp); PubMed 26084686 (cited by Ambry Genetics and Labcorp Genetics (formerly Invitae), Labcorp); PubMed 25589632 (cited by Labcorp Genetics (formerly Invitae), Labcorp); PubMed 23975875 (cited by Labcorp Genetics (formerly Invitae), Labcorp).